The following is an entry in ClinVar:

NM_020928.2(ZSWIM6):c.336G>A (p.Trp112Ter)

Gene: ZSWIM6 (zinc finger SWIM-type containing 6; plus strand). Cytogenetic location: 5q12.1.
Variant type: single nucleotide variant.
Coding change: c.336G>A on transcript NM_020928.2 (MANE Select); coding-DNA position 336, G replaced by A.
Protein change: p.Trp112Ter; replaces tryptophan 112 with a stop codon.
Molecular consequence: nonsense.
Genome position (GRCh38, 1-based): chr5:61,332,608, G>A. VCF-style: chr5-61332608-G-A. GRCh37 (hg19) VCF-style: chr5-60628435-G-A.
Other names: short protein forms W112*.
Identifiers: ClinVar variation 3372479 (VCV003372479.1).
Genomic context (GRCh38, chr5:61,332,608, plus strand): 5'-GCGCGTGGAGGAGCGCTTTGAGCGCATCCCGGAGCCGGTGCAGCGCCGCATAGTCTATTG[G>A]TCCTTCCCCCGCAGCGAGCGGGAGATCTGCATGTACTCGTCCTTCAACACCGGCGGCGGC-3'

ClinVar aggregate classification (germline): Uncertain significance (1 of 4 stars; one submission).

Submission:

GeneDx
Classification: Uncertain significance. Last evaluated: 2024-04-15. Review status: criteria provided, single submitter. Criteria: GeneDx Variant Classification Process June 2021. Collection method: clinical testing. Allele origin: germline. Affected: yes.
Comment: Not observed at significant frequency in large population cohorts (gnomAD); Nonsense variant predicted to result in protein truncation or nonsense mediated decay in a gene or region of a gene for which loss of function is not a well-established mechanism of disease; Has not been previously published as pathogenic or benign to our knowledge